The following is an entry in ClinVar:

ClinVar aggregate classification (germline): Pathogenic/Likely pathogenic. Review status: criteria provided, multiple submitters, no conflicts (2 of 4 stars). 9 submissions from 9 submitters: Pathogenic (6); Likely pathogenic (3). Last evaluated 2024-10-09.

Conditions:
Hereditary cancer-predisposing syndrome. Also called: Hereditary neoplastic syndrome; Tumor predisposition; Neoplastic Syndromes, Hereditary; Hereditary Cancer Syndrome. Identifiers: Orphanet 140162, MedGen C0027672, MeSH D009386, MONDO:0015356.
Neurofibromatosis, type 1 (NF1). Also called: Neurofibromatosis, type I; NEUROFIBROMATOSIS, TYPE I, SOMATIC; Peripheral type neurofibromatosis; VON RECKLINGHAUSEN DISEASE. Identifiers: Orphanet 636, MedGen C0027831, MONDO:0018975, OMIM 162200. Disease mechanism: loss of function.

Submissions (9):

Victorian Clinical Genetics Services, Murdoch Childrens Research Institute
Classification: Pathogenic for Neurofibromatosis, type 1. Last evaluated: 2024-10-09. Review status: criteria provided, single submitter. Criteria: ACMG Guidelines, 2015. Collection method: clinical testing. Allele origin: germline. Inheritance: Autosomal dominant inheritance. Affected: yes.
Comment: Based on the classification scheme VCGS_Germline_v1.3.5, this variant is classified as Pathogenic. Following criteria are met: 0102 - Loss of function is a known mechanism of disease in this gene and is associated juvenile myelomonocytic leukemia (MIM#607785), familial spinal neurofibromatosis (MIM#162210), neurofibromatosis, type 1 (MIM#162200), neurofibromatosis-Noonan syndrome (MIM#601321) and Watson syndrome (MIM#193520). (I) 0107 - This gene is associated with autosomal dominant disease. (I) 0115 - Variants in this gene are known to have variable expressivity. Disease manifestation can be extremely variable, even within a family (PMID: 20301288). (I) 0211 - Canonical splice site variant without proven consequence on splicing (no functional evidence available). (SP) 0251 - This variant is heterozygous. (I) 0301 - Variant is absent from gnomAD (v2, v3 and v4). (SP) 0505 - Abnormal splicing is predicted by in silico tools and affected nucleotide is highly conserved. (SP) 0801 - This variant has strong previous evidence of pathogenicity in unrelated individuals. This variant has classified as likely pathogenic/pathogenic by multiple clinical laboratories in ClinVar. It has also been reported in unrelated individuals with neurofibromatosis type 1 (PMIDs: 17426081, 36980803). (SP) 1208 - Inheritance information for this variant is not currently available in this individual. (I) Legend: (SP) - Supporting pathogenic, (I) - Information, (SB) - Supporting benign

Molecular Pathology, Peter Maccallum Cancer Centre
Classification: Pathogenic for Neurofibromatosis, type 1. Last evaluated: 2024-05-31. Review status: criteria provided, single submitter. Criteria: ACMG Guidelines, 2015. Collection method: clinical testing. Allele origin: germline. Inheritance: Autosomal dominant inheritance.

Labcorp Genetics (formerly Invitae), Labcorp
Classification: Pathogenic for Neurofibromatosis, type 1. Last evaluated: 2024-03-25. Review status: criteria provided, single submitter. Criteria: Invitae Variant Classification Sherloc (09022015). Collection method: clinical testing. Allele origin: germline.
Comment: This sequence change affects an acceptor splice site in intron 18 of the NF1 gene. It is expected to disrupt RNA splicing. Variants that disrupt the donor or acceptor splice site typically lead to a loss of protein function (PMID: 16199547), and loss-of-function variants in NF1 are known to be pathogenic (PMID: 10712197, 23913538). This variant is not present in population databases (gnomAD no frequency). Disruption of this splice site has been observed in individuals with neurofibromatosis type I (PMID: 12872266, 17426081; Invitae). ClinVar contains an entry for this variant (Variation ID: 428984). Algorithms developed to predict the effect of sequence changes on RNA splicing suggest that this variant may disrupt the consensus splice site. For these reasons, this variant has been classified as Pathogenic.

Quest Diagnostics Nichols Institute San Juan Capistrano
Classification: Pathogenic. Last evaluated: 2023-11-04. Review status: criteria provided, single submitter. Criteria: Quest Diagnostics criteria. Collection method: clinical testing. Allele origin: unknown.
Comment: The NF1 c.2252-2A>G variant disrupts a canonical splice-acceptor site and interferes with normal NF1 mRNA splicing. This variant has been reported in the published literature in individuals with neurofibromatosis 1 (NF1) (PMIDs: 31776437 (2020), 17426081 (2007)). A different variant disrupting the same site, c.2252-2A>C, has also been observed in an individual with NF1 (PMID: 12872266 (2003)). The c.2252-2A>G variant has not been reported in large, multi-ethnic general populations (Genome Aggregation Database). Based on the available information, this variant is classified as pathogenic.

Baylor Genetics
Classification: Pathogenic for Neurofibromatosis, type 1. Last evaluated: 2023-08-22. Review status: criteria provided, single submitter. Criteria: ACMG Guidelines, 2015. Collection method: clinical testing. Allele origin: unknown.

Genome-Nilou Lab
Classification: Likely pathogenic for Neurofibromatosis, type 1. Last evaluated: 2022-03-15. Review status: criteria provided, single submitter. Criteria: ACMG Guidelines, 2015. Collection method: clinical testing. Allele origin: germline. Affected: no.

Genome Diagnostics Laboratory, The Hospital for Sick Children
Classification: Pathogenic for Neurofibromatosis, type 1. Last evaluated: 2020-10-26. Review status: criteria provided, single submitter. Criteria: ACMG Guidelines, 2015. Collection method: clinical testing. Allele origin: germline. Affected: yes.

Center for Human Genetics, Inc
Classification: Likely pathogenic for Neurofibromatosis, type 1. Last evaluated: 2016-11-01. Review status: criteria provided, single submitter. Criteria: ACMG Guidelines, 2015. Collection method: clinical testing. Allele origin: germline. Affected: yes.

Ambry Genetics
Classification: Likely pathogenic for Hereditary cancer-predisposing syndrome. Last evaluated: 2016-02-17. Review status: criteria provided, single submitter. Criteria: Ambry Autosomal Dominant and X-Linked criteria (10/2015). Collection method: clinical testing. Allele origin: germline. Observed: 1 variant allele.
Comment: The c.2252-2A>G intronic variant results from an A to G substitution two nucleotides upstream from coding exon 19 in the NF1 gene. This variant was not reported in population based cohorts in the following databases: Database of Single Nucleotide Polymorphisms (dbSNP), NHLBI Exome Sequencing Project (ESP), and 1000 Genomes Project. In the ESP, this variant was not observed in 6503 samples (13006 alleles) with coverage at this position.To date, this alteration has been detected with an allele frequency of approximately 0.001% (greater than 110000 alleles tested) in our clinical cohort.This nucleotide position is highly conserved in available vertebrate species. This splice prediction software predicts that this alteration will abolish the native splice acceptor site. Alterations that disrupt the canonical splice acceptor site are typically deleterious in nature (ACMGRecommendations for Standards for Interpretation and Reporting of Sequence Variations. Revision 2007.Genet Med.2008;10:294). As such, the c.2252-2A>G variant is classified as likely pathogenic.

Literature cited by the submitters: PubMed 17426081 (cited by 3 submitters); PubMed 20301288 (cited by Victorian Clinical Genetics Services, Murdoch Childrens Research Institute); PubMed 36980803 (cited by Victorian Clinical Genetics Services, Murdoch Childrens Research Institute); PubMed 16199547 (cited by Labcorp Genetics (formerly Invitae), Labcorp); PubMed 10712197 (cited by Labcorp Genetics (formerly Invitae), Labcorp); PubMed 23913538 (cited by Labcorp Genetics (formerly Invitae), Labcorp); PubMed 12872266 (cited by Labcorp Genetics (formerly Invitae), Labcorp); PubMed 31776437 (cited by Quest Diagnostics Nichols Institute San Juan Capistrano).

NM_001042492.3(NF1):c.2252-2A>G

Gene: NF1 (neurofibromin 1; plus strand). Cytogenetic location: 17q11.2.
Variant type: single nucleotide variant.
Coding change: c.2252-2A>G on transcript NM_001042492.3 (MANE Select); the canonical splice acceptor site of the intron before coding-DNA position 2252, A replaced by G.
Molecular consequence: splice acceptor variant.
Genome position (GRCh38, 1-based): chr17:31,227,216, A>G. VCF-style: chr17-31227216-A-G. GRCh37 (hg19) VCF-style: chr17-29554234-A-G.
Other names: c.2252-2A>G (NM_000267.4).
Identifiers: ClinVar variation 428984 (VCV000428984.18), dbSNP rs1131691105, ClinGen allele CA398982651.